The following is an entry in ClinVar:

NM_031935.3(HMCN1):c.9157T>C (p.Tyr3053His)

Gene: HMCN1 (hemicentin 1; plus strand). Cytogenetic location: 1q31.1.
Variant type: single nucleotide variant.
Coding change: c.9157T>C on transcript NM_031935.3 (MANE Select); coding-DNA position 9157, T replaced by C.
Protein change: p.Tyr3053His; replaces tyrosine 3053 with histidine.
Molecular consequence: missense variant.
Genome position (GRCh38, 1-based): chr1:186,087,327, T>C. VCF-style: chr1-186087327-T-C. GRCh37 (hg19) VCF-style: chr1-186056459-T-C.
Other names: c.9157T>C (NM_031935.2); short protein forms Y3053H.
Identifiers: ClinVar variation 1505671 (VCV001505671.8), dbSNP rs375407833, ClinGen allele CA1293332.

ClinVar aggregate classification (germline): Uncertain significance. Review status: criteria provided, multiple submitters, no conflicts (2 of 4 stars). 3 submissions from 3 submitters: Uncertain significance (3). Last evaluated 2025-12-06.

Conditions:
Age related macular degeneration 1 (ARMD1). Also called: MACULOPATHY, AGE-RELATED, 1. Identifiers: MedGen C1864205, MONDO:0011285, OMIM 603075.

Allele frequency attached by ClinVar (database versions not stated): gnomAD 0.00001; gnomAD exomes 0.00002 and 0.00005; ExAC 0.00003; TOPMed 0.00003; ESP Exome Variant Server 0.00008.
gnomAD v4.1: 35 of 1,611,136 alleles (0.0022%); highest among the groups gnomAD compares: Admixed American, 0.017%; no homozygotes.

Submissions (3):

Labcorp Genetics (formerly Invitae), Labcorp
Classification: Uncertain significance. Last evaluated: 2025-12-06. Review status: criteria provided, single submitter. Criteria: Invitae Variant Classification Sherloc (09022015). Collection method: clinical testing. Allele origin: germline.
Comment: This sequence change replaces tyrosine, which is neutral and polar, with histidine, which is basic and polar, at codon 3053 of the HMCN1 protein (p.Tyr3053His). This variant is present in population databases (rs375407833, gnomAD 0.03%). This variant has not been reported in the literature in individuals affected with HMCN1-related conditions. ClinVar contains an entry for this variant (Variation ID: 1505671). An algorithm developed to predict the effect of missense changes on protein structure and function outputs the following: PolyPhen-2: "Probably Damaging". The histidine amino acid residue is found in multiple mammalian species, which suggests that this missense change does not adversely affect protein function. In summary, the available evidence is currently insufficient to determine the role of this variant in disease. Therefore, it has been classified as a Variant of Uncertain Significance.

Ambry Genetics
Classification: Uncertain significance. Last evaluated: 2025-09-28. Review status: criteria provided, single submitter. Criteria: Ambry Variant Classification Scheme 2023. Collection method: clinical testing. Allele origin: germline.

Genome-Nilou Lab
Classification: Uncertain significance for Age related macular degeneration 1. Last evaluated: 2023-04-11. Review status: criteria provided, single submitter. Criteria: ACMG Guidelines, 2015. Collection method: clinical testing. Allele origin: germline. Affected: no.